The following is an entry in ClinVar:

ClinVar aggregate classification (germline): Uncertain significance (1 of 4 stars; one submission).

Allele frequency attached by ClinVar (database versions not stated): gnomAD exomes 0.00001; TOPMed 0.00001.
gnomAD v4.1: 9 of 1,614,242 alleles (0.00056%); highest among the groups gnomAD compares: African/African-American, 0.0013%; no homozygotes.

Submission:

Labcorp Genetics (formerly Invitae), Labcorp
Classification: Uncertain significance. Last evaluated: 2024-03-09. Review status: criteria provided, single submitter. Criteria: Invitae Variant Classification Sherloc (09022015). Collection method: clinical testing. Allele origin: germline.
Comment: This sequence change replaces valine, which is neutral and non-polar, with isoleucine, which is neutral and non-polar, at codon 40 of the RHOBTB2 protein (p.Val40Ile). This variant is present in population databases (no rsID available, gnomAD 0.007%). This variant has not been reported in the literature in individuals affected with RHOBTB2-related conditions. Advanced modeling of protein sequence and biophysical properties (such as structural, functional, and spatial information, amino acid conservation, physicochemical variation, residue mobility, and thermodynamic stability) has been performed at Invitae for this missense variant, however the output from this modeling did not meet the statistical confidence thresholds required to predict the impact of this variant on RHOBTB2 protein function. In summary, the available evidence is currently insufficient to determine the role of this variant in disease. Therefore, it has been classified as a Variant of Uncertain Significance.

NM_015178.3(RHOBTB2):c.52G>A (p.Val18Ile)

Gene: RHOBTB2 (Rho related BTB domain containing 2; plus strand). Cytogenetic location: 8p21.3.
Variant type: single nucleotide variant.
Coding change: c.52G>A on transcript NM_015178.3 (MANE Select); coding-DNA position 52, G replaced by A.
Protein change: p.Val18Ile; replaces valine 18 with isoleucine.
Molecular consequence: missense variant.
Genome position (GRCh38, 1-based): chr8:23,004,486, G>A. VCF-style: chr8-23004486-G-A. GRCh37 (hg19) VCF-style: chr8-22861999-G-A.
Other names: c.118G>A, p.Val40Ile (NM_001160036.2); c.73G>A, p.Val25Ile (NM_001160037.2); c.52G>A, p.Val18Ile (NM_001374791.1); short protein forms V40I, V18I, V25I.
Identifiers: ClinVar variation 2778381 (VCV002778381.3), dbSNP rs957580860, ClinGen allele CA173871860.